The following is an entry in ClinVar:

NM_000038.6(APC):c.2242A>G (p.Ser748Gly)

Gene: APC (APC regulator of Wnt signaling pathway; plus strand). Cytogenetic location: 5q22.2.
Variant type: single nucleotide variant.
Coding change: c.2242A>G on transcript NM_000038.6 (MANE Select); coding-DNA position 2242, A replaced by G.
Protein change: p.Ser748Gly; replaces serine 748 with glycine.
Molecular consequence: missense variant.
Genome position (GRCh38, 1-based): chr5:112,837,836, A>G. VCF-style: chr5-112837836-A-G. GRCh37 (hg19) VCF-style: chr5-112173533-A-G.
Other names: c.2242A>G, p.Ser748Gly (NM_001127510.3, NM_001354895.2); c.2188A>G, p.Ser730Gly (NM_001127511.3); c.2296A>G, p.Ser766Gly (NM_001354896.2); c.2272A>G, p.Ser758Gly (NM_001354897.2); c.2167A>G, p.Ser723Gly (NM_001354898.2); c.2158A>G, p.Ser720Gly (NM_001354899.2); c.2119A>G, p.Ser707Gly (NM_001354900.2); c.2065A>G, p.Ser689Gly (NM_001354901.2); and 5 more; short protein forms S720G, S748G, S766G, S588G, S647G, S657G, S707G, S465G.
Identifiers: ClinVar variation 1463921 (VCV001463921.6), dbSNP rs2149864209, ClinGen allele CA16026243.

ClinVar aggregate classification (germline): Uncertain significance (1 of 4 stars; one submission).

Conditions:
Familial adenomatous polyposis 1 (FAP1). Also called: FAMILIAL ADENOMATOUS POLYPOSIS 1, ATTENUATED; POLYPOSIS, ADENOMATOUS INTESTINAL. Identifiers: MedGen C2713442, MONDO:0021056, OMIM 175100. Disease mechanism: loss of function.

Submission:

Labcorp Genetics (formerly Invitae), Labcorp
Classification: Uncertain significance for Familial adenomatous polyposis 1. Last evaluated: 2021-08-29. Review status: criteria provided, single submitter. Criteria: Invitae Variant Classification Sherloc (09022015). Collection method: clinical testing. Allele origin: germline.
Comment: This sequence change replaces serine with glycine at codon 748 of the APC protein (p.Ser748Gly). The serine residue is highly conserved and there is a small physicochemical difference between serine and glycine. This variant is not present in population databases (ExAC no frequency). This variant has not been reported in the literature in individuals affected with APC-related conditions. Algorithms developed to predict the effect of missense changes on protein structure and function are either unavailable or do not agree on the potential impact of this missense change (SIFT: "Deleterious"; PolyPhen-2: "Benign"; Align-GVGD: "Class C0"). Algorithms developed to predict the effect of sequence changes on RNA splicing suggest that this variant may create or strengthen a splice site. In summary, the available evidence is currently insufficient to determine the role of this variant in disease. Therefore, it has been classified as a Variant of Uncertain Significance.